The following is an entry in ClinVar:

NM_013336.4(SEC61A1):c.616+8C>T

Gene: SEC61A1 (SEC61 translocon subunit alpha 1; plus strand). Cytogenetic location: 3q21.3.
Variant type: single nucleotide variant.
Coding change: c.616+8C>T on transcript NM_013336.4 (MANE Select); 8 bases into the intron after coding-DNA position 616, C replaced by T.
Molecular consequence: intron variant.
Genome position (GRCh38, 1-based): chr3:128,060,669, C>T. VCF-style: chr3-128060669-C-T. GRCh37 (hg19) VCF-style: chr3-127779512-C-T.
Other names: c.616+8C>T (NM_013336.3).
Identifiers: ClinVar variation 1599005 (VCV001599005.9), dbSNP rs762463438, ClinGen allele CA2598431.
Genomic context (GRCh38, chr3:128,060,669, plus strand): 5'-TGAAACCATCGTATGGAAGGCATTCAGCCCCACTACTGTCAACACTGGCCGAGGTAAGGG[C>T]CCTGTGCTCCCCTGGTGGCGACAGCTTTCAGCAAAAACAATTGAGCAATGCAAAGCAGAA-3'

ClinVar aggregate classification (germline): Benign/Likely benign. Review status: criteria provided, multiple submitters, no conflicts (2 of 4 stars). 2 submissions from 2 submitters: Benign (1); Likely benign (1). Last evaluated 2025-12-01.

Conditions:
SEC61A1-related disorder. Also called: SEC61A1-related condition.

Allele frequency attached by ClinVar (database versions not stated): gnomAD 0.00001 and 0.00002; TOPMed 0.00001; gnomAD exomes 0.00006; ExAC 0.00008.

Submissions (2):

Labcorp Genetics (formerly Invitae), Labcorp
Classification: Benign. Last evaluated: 2025-12-01. Review status: criteria provided, single submitter. Criteria: Invitae Variant Classification Sherloc (09022015). Collection method: clinical testing. Allele origin: germline.

PreventionGenetics, part of Exact Sciences
Classification: Likely benign for SEC61A1-related condition. Last evaluated: 2025-10-21. Review status: criteria provided, single submitter. Criteria: ACMG Guidelines, 2015. Collection method: clinical testing. Allele origin: germline.
Comment: This variant is classified as likely benign based on ACMG/AMP sequence variant interpretation guidelines (Richards et al. 2015 PMID: 25741868, with internal and published modifications).